The following is an entry in ClinVar:

ClinVar aggregate classification (germline): Uncertain significance (1 of 4 stars; one submission).

Conditions:
Early-infantile DEE. Also called: Ohtahara syndrome; Early infantile epileptic encephalopathy with suppression bursts; Early infantile epileptic encephalopathy. Identifiers: Orphanet 1934, MedGen C0393706, MONDO:0800491.

Allele frequency attached by ClinVar (database versions not stated): gnomAD exomes below 0.00001.
gnomAD v4.1: 1 of 1,614,044 alleles (0.000062%); highest among the groups gnomAD compares: African/African-American, 0.0013%; no homozygotes.

Submission:

Labcorp Genetics (formerly Invitae), Labcorp
Classification: Uncertain significance for Early-infantile DEE. Last evaluated: 2023-11-04. Review status: criteria provided, single submitter. Criteria: Invitae Variant Classification Sherloc (09022015). Collection method: clinical testing. Allele origin: germline.
Comment: This sequence change replaces valine, which is neutral and non-polar, with leucine, which is neutral and non-polar, at codon 856 of the HCN1 protein (p.Val856Leu). This variant is not present in population databases (gnomAD no frequency). This variant has not been reported in the literature in individuals affected with HCN1-related conditions. Advanced modeling of protein sequence and biophysical properties (such as structural, functional, and spatial information, amino acid conservation, physicochemical variation, residue mobility, and thermodynamic stability) performed at Invitae indicates that this missense variant is not expected to disrupt HCN1 protein function with a negative predictive value of 95%. In summary, the available evidence is currently insufficient to determine the role of this variant in disease. Therefore, it has been classified as a Variant of Uncertain Significance.

NM_021072.4(HCN1):c.2566G>C (p.Val856Leu)

Gene: HCN1 (hyperpolarization activated cyclic nucleotide gated potassium channel 1; minus strand). Cytogenetic location: 5p12.
Variant type: single nucleotide variant.
Coding change: c.2566G>C on transcript NM_021072.4 (MANE Select); coding-DNA position 2566, G replaced by C.
Protein change: p.Val856Leu; replaces valine 856 with leucine.
Molecular consequence: missense variant.
Genome position (GRCh38, 1-based): chr5:45,262,028, C>G on the plus strand (G>C on the coding strand, the complement: HCN1 is on the minus strand). VCF-style: chr5-45262028-C-G. GRCh37 (hg19) VCF-style: chr5-45262130-C-G.
Other names: short protein forms V856L.
Identifiers: ClinVar variation 2693123 (VCV002693123.3), dbSNP rs745821900, ClinGen allele CA359703092.